The following is an entry in ClinVar:

ClinVar aggregate classification (germline): Conflicting classifications of pathogenicity. Review status: criteria provided, conflicting classifications (1 of 4 stars). 2 submissions from 2 submitters: Uncertain significance (1); Likely benign (1). Last evaluated 2025-04-28.

Submissions (2):

Dasa
Classification: Likely benign. Last evaluated: 2025-04-28. Review status: criteria provided, single submitter. Criteria: DASA Assertion Criteria. Collection method: clinical testing. Allele origin: germline.
Comment: NM_001008537.3(NEXMIF):c.1378A>G (p.Ser460Gly) is a missense variant that results in the substitution of serine with glycine. Multiple computational predictions suggest no deleterious effect on the gene or gene product. The variant is present at low frequency in population datasets. Based on the available data, this variant is classified as likely benign.

Labcorp Genetics (formerly Invitae), Labcorp
Classification: Uncertain significance. Last evaluated: 2021-04-11. Review status: criteria provided, single submitter. Criteria: Invitae Variant Classification Sherloc (09022015). Collection method: clinical testing. Allele origin: germline.
Comment: In summary, the available evidence is currently insufficient to determine the role of this variant in disease. Therefore, it has been classified as a Variant of Uncertain Significance. Algorithms developed to predict the effect of missense changes on protein structure and function are either unavailable or do not agree on the potential impact of this missense change (SIFT: "Deleterious"; PolyPhen-2: "Benign"; Align-GVGD: "Class C55"). This variant has not been reported in the literature in individuals with NEXMIF-related conditions. This variant is not present in population databases (ExAC no frequency). This sequence change replaces serine with glycine at codon 460 of the NEXMIF protein (p.Ser460Gly). The serine residue is highly conserved and there is a small physicochemical difference between serine and glycine.

NM_001008537.3(NEXMIF):c.1378A>G (p.Ser460Gly)

Gene: NEXMIF (neurite extension and migration factor; minus strand). Cytogenetic location: Xq13.3.
Variant type: single nucleotide variant.
Coding change: c.1378A>G on transcript NM_001008537.3 (MANE Select); coding-DNA position 1378, A replaced by G.
Protein change: p.Ser460Gly; replaces serine 460 with glycine.
Molecular consequence: missense variant.
Genome position (GRCh38, 1-based): chrX:74,743,179, T>C on the plus strand (A>G on the coding strand, the complement: NEXMIF is on the minus strand). VCF-style: chrX-74743179-T-C. GRCh37 (hg19) VCF-style: chrX-73963014-T-C.
Other names: short protein forms S460G.
Identifiers: ClinVar variation 1419277 (VCV001419277.9), dbSNP rs1004870160, ClinGen allele CA331301788.